The following is an entry in ClinVar:

NM_018180.3(DHX32):c.2063+6T>C

Genes: BCCIP (BRCA2 and CDKN1A interacting protein; plus strand), DHX32 (DEAH-box helicase 32 (putative); minus strand). Cytogenetic location: 10q26.2.
Variant type: single nucleotide variant.
Coding change: c.2063+6T>C on transcript NM_018180.3 (MANE Select); 6 bases into the intron after coding-DNA position 2063, T replaced by C.
Molecular consequence: intron variant.
Genome position (GRCh38, 1-based): chr10:125,838,200, A>G on the plus strand (T>C on the coding strand, the complement: DHX32 is on the minus strand). VCF-style: chr10-125838200-A-G. GRCh37 (hg19) VCF-style: chr10-127526769-A-G.
Other names: c.775-3055A>G (NM_016567.4, NM_078469.3).
Identifiers: ClinVar variation 1957949 (VCV001957949.5), dbSNP rs369993092, ClinGen allele CA5738983.

ClinVar aggregate classification (germline): Uncertain significance (1 of 4 stars; one submission).

Allele frequency attached by ClinVar (database versions not stated): ESP Exome Variant Server 0.00008; gnomAD exomes 0.00001; ExAC 0.00001.
gnomAD v4.1: 13 of 1,574,720 alleles (0.00083%); highest among the groups gnomAD compares: Non-Finnish European, 0.0006%; no homozygotes.

Submission:

Labcorp Genetics (formerly Invitae), Labcorp
Classification: Uncertain significance. Last evaluated: 2022-09-26. Review status: criteria provided, single submitter. Criteria: Invitae Variant Classification Sherloc (09022015). Collection method: clinical testing. Allele origin: germline.
Comment: This sequence change falls in intron 10 of the DHX32 gene. It does not directly change the encoded amino acid sequence of the DHX32 protein. It affects a nucleotide within the consensus splice site. This variant is present in population databases (rs369993092, gnomAD 0.001%). This variant has not been reported in the literature in individuals affected with DHX32-related conditions. Variants that disrupt the consensus splice site are a relatively common cause of aberrant splicing (PMID: 17576681, 9536098). Algorithms developed to predict the effect of sequence changes on RNA splicing suggest that this variant may create or strengthen a splice site. In summary, the available evidence is currently insufficient to determine the role of this variant in disease. Therefore, it has been classified as a Variant of Uncertain Significance.

Literature cited by the submitters: PubMed 17576681; PubMed 9536098.